The following is an entry in ClinVar:

NM_001130987.2(DYSF):c.3164_3165del (p.His1055fs)

Gene: DYSF (dysferlin; plus strand). Cytogenetic location: 2p13.2.
Variant type: Microsatellite.
Coding change: c.3164_3165del on transcript NM_001130987.2 (MANE Select); coding-DNA positions 3164 to 3165, 2 bases deleted (AC; older notation c.3164_3165delAC).
Protein change: p.His1055fs; shifts the reading frame from histidine 1055.
Molecular consequence: frameshift variant.
Genome position (GRCh38, 1-based): chr2:71,570,677-71,570,678, AC deleted; deleting any 2 consecutive bases within chr2:71,570,671-71,570,678 gives the same sequence; the c. name uses the placement nearest the transcript's 3' end. VCF-style (leftmost placement, unchanged base first): chr2-71570670-TAC-T. GRCh37 (hg19) VCF-style: chr2-71797800-TAC-T.
Other names: c.3206_3207del, p.His1069fs (NM_001130982.2); c.3113_3114del, p.His1038fs (NM_001130983.2, NM_001130455.2); c.3071_3072del, p.His1024fs (NM_001130984.2, NM_001130986.2); c.3164_3165del, p.His1055fs (NM_001130985.2); c.3110_3111del, p.His1037fs (NM_003494.4, NM_001130978.2); c.3068_3069del, p.His1023fs (NM_001130976.2, NM_001130977.2); c.3203_3204del, p.His1068fs (NM_001130979.2); c.3161_3162del, p.His1054fs (NM_001130980.2, NM_001130981.2); short protein forms H1023fs, H1024fs, H1037fs, H1038fs, H1054fs, H1055fs, H1068fs, H1069fs.
Identifiers: ClinVar variation 3241372 (VCV003241372.2), dbSNP rs2545823922.

ClinVar aggregate classification (germline): Pathogenic/Likely pathogenic. Review status: criteria provided, multiple submitters, no conflicts (2 of 4 stars). 2 submissions from 2 submitters: Pathogenic (1); Likely pathogenic (1). Last evaluated 2026-02-17.

Conditions:
Autosomal recessive limb-girdle muscular dystrophy. Identifiers: Orphanet 102015, MedGen C2931907, MONDO:0015152.
Miyoshi muscular dystrophy 1 (MMD1). Identifiers: Orphanet 45448, MedGen C4551973, MONDO:0024545, OMIM 254130.

Submissions (2):

Myriad Genetics, Inc.
Classification: Pathogenic for Autosomal recessive limb-girdle muscular dystrophy. Last evaluated: 2026-02-17. Review status: criteria provided, single submitter. Criteria: Myriad Autosomal Dominant, Autosomal Recessive and X-Linked Classification Criteria (2023). Collection method: clinical testing. Allele origin: unknown.
Comment: NM_003494.3(DYSF):c.3110_3111delAC(H1037Pfs*76) is expected to be pathogenic in the context of dysferlinopathy. This variant is predicted to lead to an abnormal or absent protein product due to the creation of a premature termination codon in DYSF, a gene where loss-of-function variants are known to be pathogenic. Please note: this variant was assessed in the context of healthy population screening.

Baylor Genetics
Classification: Likely pathogenic for Miyoshi muscular dystrophy 1. Last evaluated: 2024-03-16. Review status: criteria provided, single submitter. Criteria: ACMG Guidelines, 2015. Collection method: clinical testing. Allele origin: unknown.